The following is an entry in ClinVar:

NM_001079872.2(CUL4B):c.1774G>T (p.Asp592Tyr)

Gene: CUL4B (cullin 4B; minus strand). Cytogenetic location: Xq24.
Variant type: single nucleotide variant.
Coding change: c.1774G>T on transcript NM_001079872.2 (MANE Select); coding-DNA position 1774, G replaced by T.
Protein change: p.Asp592Tyr; replaces aspartic acid 592 with tyrosine.
Molecular consequence: missense variant.
Genome position (GRCh38, 1-based): chrX:120,538,738, C>A on the plus strand (G>T on the coding strand, the complement: CUL4B is on the minus strand). VCF-style: chrX-120538738-C-A. GRCh37 (hg19) VCF-style: chrX-119672593-C-A.
Other names: c.1789G>T, p.Asp597Tyr (NM_001330624.2); c.1240G>T, p.Asp414Tyr (NM_001369145.1); c.1828G>T, p.Asp610Tyr (NM_003588.4); short protein forms D414Y, D592Y, D597Y, D610Y.
Identifiers: ClinVar variation 4540176 (VCV004540176.1).

ClinVar aggregate classification (germline): Uncertain significance (1 of 4 stars; one submission).

Submission:

GeneDx
Classification: Uncertain significance. Last evaluated: 2025-06-24. Review status: criteria provided, single submitter. Criteria: GeneDx Variant Classification Process June 2021. Collection method: clinical testing. Allele origin: germline. Affected: yes.
Comment: Not observed at significant frequency in large population cohorts (gnomAD); In silico analysis supports that this missense variant has a deleterious effect on protein structure/function; Has not been previously published as pathogenic or benign to our knowledge